The following is an entry in ClinVar:

NM_025137.4(SPG11):c.6009G>T (p.Glu2003Asp)

Gene: SPG11 (SPG11 vesicle trafficking associated, spatacsin; minus strand). Cytogenetic location: 15q21.1.
Variant type: single nucleotide variant.
Coding change: c.6009G>T on transcript NM_025137.4 (MANE Select); coding-DNA position 6009, G replaced by T.
Protein change: p.Glu2003Asp; replaces glutamic acid 2003 with aspartic acid.
Molecular consequence: missense variant. On other transcripts: intron variant (1).
Genome position (GRCh38, 1-based): chr15:44,573,743, C>A on the plus strand (G>T on the coding strand, the complement: SPG11 is on the minus strand). VCF-style: chr15-44573743-C-A. GRCh37 (hg19) VCF-style: chr15-44865941-C-A.
Other names: c.5867-923G>T (NM_001160227.2); short protein forms E2003D.
Identifiers: ClinVar variation 642817 (VCV000642817.8), dbSNP rs954483795, ClinGen allele CA392218495.

ClinVar aggregate classification (germline): Uncertain significance (1 of 4 stars; one submission).

Conditions:
Hereditary spastic paraplegia 11. Also called: SPASTIC PARAPLEGIA, AUTOSOMAL RECESSIVE, COMPLICATED, WITH THIN CORPUS CALLOSUM; SPASTIC PARAPLEGIA, AUTOSOMAL RECESSIVE, WITH MENTAL IMPAIRMENT AND THIN CORPUS CALLOSUM; Spastic Paraplegia 11; Nakamura Osame syndrome; Autosomal recessive hereditary spastic paraplegia, mental impairment, and thin corpus callosum; Spastic paraplegia, mental retardation and thin corpus callosum. Identifiers: Orphanet 2822, MedGen C1858479, MONDO:0011445, OMIM 604360.

Allele frequency attached by ClinVar (database versions not stated): gnomAD exomes below 0.00001; gnomAD 0.00001; TOPMed 0.00001.
gnomAD v4.1: 3 of 1,614,100 alleles (0.00019%); highest among the groups gnomAD compares: Non-Finnish European, 0.00017%; no homozygotes.

Submission:

Labcorp Genetics (formerly Invitae), Labcorp
Classification: Uncertain significance for Hereditary spastic paraplegia 11. Last evaluated: 2023-08-28. Review status: criteria provided, single submitter. Criteria: Invitae Variant Classification Sherloc (09022015). Collection method: clinical testing. Allele origin: germline.
Comment: This variant is not present in population databases (gnomAD no frequency). This sequence change replaces glutamic acid, which is acidic and polar, with aspartic acid, which is acidic and polar, at codon 2003 of the SPG11 protein (p.Glu2003Asp). This missense change has been observed in individual(s) with amyotrophic lateral sclerosis (PMID: 31475037). ClinVar contains an entry for this variant (Variation ID: 642817). Algorithms developed to predict the effect of missense changes on protein structure and function output the following: SIFT: "Not Available"; PolyPhen-2: "Possibly Damaging"; Align-GVGD: "Not Available". The aspartic acid amino acid residue is found in multiple mammalian species, which suggests that this missense change does not adversely affect protein function. In summary, the available evidence is currently insufficient to determine the role of this variant in disease. Therefore, it has been classified as a Variant of Uncertain Significance.

Literature cited by the submitters: PubMed 31475037.